The following is an entry in ClinVar:

NM_203446.3(SYNJ1):c.*182A>G

Gene: SYNJ1 (synaptojanin 1; minus strand). Cytogenetic location: 21q22.11.
Variant type: single nucleotide variant.
Coding change: c.*182A>G on transcript NM_203446.3 (MANE Select); 182 bases downstream of the stop codon, A replaced by G.
Molecular consequence: 3 prime UTR variant. On other transcripts: missense variant (2).
Genome position (GRCh38, 1-based): chr21:32,631,623, T>C on the plus strand (A>G on the coding strand, the complement: SYNJ1 is on the minus strand). VCF-style: chr21-32631623-T-C. GRCh37 (hg19) VCF-style: chr21-34003933-T-C.
Other names: c.*182A>G (NM_001160302.2); c.3953A>G, p.Asn1318Ser (NM_001160306.2); c.4211A>G, p.Asn1404Ser (NM_003895.4); short protein forms N1404S, N1318S.
Identifiers: ClinVar variation 1464187 (VCV001464187.6), dbSNP rs1272633166, ClinGen allele CA410082706.
Genomic context (GRCh38, chr21:32,631,623, plus strand): 5'-GATTGACTCCGAGCTGGAATTGGAGGCATTGTTGGCATGCAACTTACAGAACTCAAAACA[T>C]TACTTTGCGTTGCAGAAGGCAACTGAATCAACCTCTTTGGGTCTGGGGTGGGAACAGGTG-3'

ClinVar aggregate classification (germline): Uncertain significance (1 of 4 stars; one submission).

Conditions:
Developmental and epileptic encephalopathy, 53. Also called: Epileptic encephalopathy, early infantile, 53. Identifiers: MedGen C4479313, MONDO:0033362, OMIM 617389.
Early-onset Parkinson disease 20. Also called: PARKINSON DISEASE 20, AUTOSOMAL RECESSIVE EARLY-ONSET. Identifiers: Orphanet 391411, MedGen C3809824, MONDO:0014233, OMIM 615530.

Allele frequency attached by ClinVar (database versions not stated): gnomAD exomes 0.00001; TOPMed 0.00002.
gnomAD v4.1: 17 of 1,614,224 alleles (0.0011%); highest among the groups gnomAD compares: Non-Finnish European, 0.0013%; no homozygotes.

Submission:

Labcorp Genetics (formerly Invitae), Labcorp
Classification: Uncertain significance for Developmental and epileptic encephalopathy, 53; Early-onset Parkinson disease 20. Last evaluated: 2021-09-05. Review status: criteria provided, single submitter. Criteria: Invitae Variant Classification Sherloc (09022015). Collection method: clinical testing. Allele origin: germline.
Comment: This sequence change replaces asparagine with serine at codon 1404 of the SYNJ1 protein (p.Asn1404Ser). The asparagine residue is moderately conserved and there is a small physicochemical difference between asparagine and serine. This variant is not present in population databases (ExAC no frequency). This variant has not been reported in the literature in individuals affected with SYNJ1-related conditions. Algorithms developed to predict the effect of missense changes on protein structure and function output the following: SIFT: "Tolerated"; PolyPhen-2: "Benign"; Align-GVGD: "Class C0". The serine amino acid residue is found in multiple mammalian species, which suggests that this missense change does not adversely affect protein function. In summary, the available evidence is currently insufficient to determine the role of this variant in disease. Therefore, it has been classified as a Variant of Uncertain Significance.